The following is an entry in ClinVar:

NM_001145809.2(MYH14):c.3649C>G (p.Leu1217Val)

Gene: MYH14 (myosin heavy chain 14; plus strand). Cytogenetic location: 19q13.33.
Variant type: single nucleotide variant.
Coding change: c.3649C>G on transcript NM_001145809.2 (MANE Select); coding-DNA position 3649, C replaced by G.
Protein change: p.Leu1217Val; replaces leucine 1217 with valine.
Molecular consequence: missense variant.
Genome position (GRCh38, 1-based): chr19:50,276,172, C>G. VCF-style: chr19-50276172-C-G. GRCh37 (hg19) VCF-style: chr19-50779429-C-G.
Other names: c.3550C>G, p.Leu1184Val (NM_001077186.2); c.3526C>G, p.Leu1176Val (NM_024729.4); short protein forms L1176V, L1184V, L1217V.
Identifiers: ClinVar variation 1306733 (VCV001306733.2), dbSNP rs2123405772, ClinGen allele CA406954652.

ClinVar aggregate classification (germline): Uncertain significance (1 of 4 stars; one submission).

Submission:

GeneDx
Classification: Uncertain significance. Last evaluated: 2019-03-05. Review status: criteria provided, single submitter. Criteria: GeneDx Variant Classification Process June 2021. Collection method: clinical testing. Allele origin: germline. Affected: yes.
Comment: Not observed in large population cohorts (Lek et al., 2016); In silico analysis, which includes protein predictors and evolutionary conservation, supports that this variant does not alter protein structure/function; Has not been previously published as pathogenic or benign to our knowledge